The following is an entry in ClinVar:

NM_000051.4(ATM):c.9150A>G (p.Pro3050=)

Genes: ATM (ATM serine/threonine kinase; plus strand), C11orf65 (chromosome 11 open reading frame 65; minus strand). Cytogenetic location: 11q22.3.
Variant type: single nucleotide variant.
Coding change: c.9150A>G on transcript NM_000051.4 (MANE Select); coding-DNA position 9150, A replaced by G.
Protein change: p.Pro3050=; no amino-acid change (proline 3050 retained).
Molecular consequence: synonymous variant. On other transcripts: intron variant (2).
Genome position (GRCh38, 1-based): chr11:108,365,487, A>G. VCF-style: chr11-108365487-A-G. GRCh37 (hg19) VCF-style: chr11-108236214-A-G.
Other names: c.9150A>G, p.Pro3050= (NM_001351834.2); c.640+20433T>C (NM_001330368.2); c.694+20433T>C (NM_001351110.2).
Identifiers: ClinVar variation 1554211 (VCV001554211.10), dbSNP rs2137928625, ClinGen allele CA476745313.

ClinVar aggregate classification (germline): Benign/Likely benign. Review status: criteria provided, multiple submitters, no conflicts (2 of 4 stars). 3 submissions from 3 submitters: Benign (1); Likely benign (2). Last evaluated 2025-04-17.

Conditions:
Familial cancer of breast. Also called: BREAST CANCER, FAMILIAL; Hereditary breast cancer; hereditary breast carcinoma. Identifiers: Orphanet 227535, MedGen C0346153, MONDO:0016419, OMIM 114480. Disease mechanism: loss of function.
Ataxia-telangiectasia syndrome (AT). Also called: LOUIS-BAR SYNDROME; Cerebello-oculocutaneous telangiectasia; Immunodeficiency with ataxia telangiectasia; Ataxia telangiectasia (A-T); Ataxia-telangiectasia, complementation group D; AT, COMPLEMENTATION GROUP C. Identifiers: Orphanet 100, MedGen C0004135, MONDO:0008840, OMIM 208900.
Hereditary cancer-predisposing syndrome. Also called: Neoplastic Syndromes, Hereditary; Tumor predisposition; Hereditary Cancer Syndrome; Hereditary neoplastic syndrome. Identifiers: Orphanet 140162, MedGen C0027672, MeSH D009386, MONDO:0015356.

Submissions (3):

Labcorp Genetics (formerly Invitae), Labcorp
Classification: Likely benign for Ataxia-telangiectasia syndrome. Last evaluated: 2025-04-17. Review status: criteria provided, single submitter. Criteria: Invitae Variant Classification Sherloc (09022015). Collection method: clinical testing. Allele origin: germline.

Ambry Genetics
Classification: Likely benign for Hereditary cancer-predisposing syndrome. Last evaluated: 2025-04-05. Review status: criteria provided, single submitter. Criteria: Ambry Variant Classification Scheme 2023. Collection method: clinical testing. Allele origin: germline.

Myriad Genetics, Inc.
Classification: Benign for Familial cancer of breast. Last evaluated: 2024-06-25. Review status: criteria provided, single submitter. Criteria: Myriad Autosomal Dominant, Autosomal Recessive and X-Linked Classification Criteria (2023). Collection method: clinical testing. Allele origin: unknown.
Comment: This variant is considered benign. This variant is a silent/synonymous amino acid change and it is not expected to impact splicing.